The following is an entry in ClinVar:

NM_001349253.2(SCN11A):c.4280A>G (p.Asn1427Ser)

Gene: SCN11A (sodium voltage-gated channel alpha subunit 11; minus strand). Cytogenetic location: 3p22.2.
Variant type: single nucleotide variant.
Coding change: c.4280A>G on transcript NM_001349253.2 (MANE Select); coding-DNA position 4280, A replaced by G.
Protein change: p.Asn1427Ser; replaces asparagine 1427 with serine.
Molecular consequence: missense variant.
Genome position (GRCh38, 1-based): chr3:38,850,528, T>C on the plus strand (A>G on the coding strand, the complement: SCN11A is on the minus strand). VCF-style: chr3-38850528-T-C. GRCh37 (hg19) VCF-style: chr3-38892019-T-C.
Other names: c.4280A>G, p.Asn1427Ser (NM_014139.3); short protein forms N1427S.
Identifiers: ClinVar variation 2939710 (VCV002939710.3), dbSNP rs746686902, ClinGen allele CA2321563.

ClinVar aggregate classification (germline): Uncertain significance (1 of 4 stars; one submission).

Conditions:
Hereditary sensory and autonomic neuropathy type 7. Also called: HSAN VII; Neuropathy, hereditary sensory and autonomic, type VII. Identifiers: Orphanet 391397, MedGen C3809882, MONDO:0014244, OMIM 615548.
Familial episodic pain syndrome with predominantly lower limb involvement. Also called: Episodic pain syndrome, familial, 3. Identifiers: Orphanet 391384, Orphanet 391392, MedGen C3809899, MONDO:0014247, OMIM 615552.

Allele frequency attached by ClinVar (database versions not stated): gnomAD 0.00001; gnomAD exomes 0.00001; ExAC 0.00002; TOPMed 0.00003.
gnomAD v4.1: 8 of 1,613,712 alleles (0.0005%); highest among the groups gnomAD compares: East Asian, 0.0045%; no homozygotes.

Submission:

Labcorp Genetics (formerly Invitae), Labcorp
Classification: Uncertain significance for Familial episodic pain syndrome with predominantly lower limb involvement; Hereditary sensory and autonomic neuropathy type 7. Last evaluated: 2022-11-09. Review status: criteria provided, single submitter. Criteria: Invitae Variant Classification Sherloc (09022015). Collection method: clinical testing. Allele origin: germline.
Comment: This variant has not been reported in the literature in individuals affected with SCN11A-related conditions. In summary, the available evidence is currently insufficient to determine the role of this variant in disease. Therefore, it has been classified as a Variant of Uncertain Significance. Advanced modeling of protein sequence and biophysical properties (such as structural, functional, and spatial information, amino acid conservation, physicochemical variation, residue mobility, and thermodynamic stability) performed at Invitae indicates that this missense variant is not expected to disrupt SCN11A protein function. This variant is present in population databases (rs746686902, gnomAD 0.01%). This sequence change replaces asparagine, which is neutral and polar, with serine, which is neutral and polar, at codon 1427 of the SCN11A protein (p.Asn1427Ser).